The following is an entry in ClinVar:

NM_031407.7(HUWE1):c.145-3C>T

Gene: HUWE1 (HECT, UBA and WWE domain containing E3 ubiquitin protein ligase 1; minus strand). Cytogenetic location: Xp11.22.
Variant type: single nucleotide variant.
Coding change: c.145-3C>T on transcript NM_031407.7 (MANE Select); 3 bases into the intron before coding-DNA position 145, C replaced by T.
Molecular consequence: intron variant.
Genome position (GRCh38, 1-based): chrX:53,647,577, G>A on the plus strand (C>T on the coding strand, the complement: HUWE1 is on the minus strand). VCF-style: chrX-53647577-G-A. GRCh37 (hg19) VCF-style: chrX-53674520-G-A.
Identifiers: ClinVar variation 2877206 (VCV002877206.3), dbSNP rs2528921714, ClinGen allele CA2739273534.

ClinVar aggregate classification (germline): Uncertain significance (1 of 4 stars; one submission).

Submission:

Labcorp Genetics (formerly Invitae), Labcorp
Classification: Uncertain significance. Last evaluated: 2023-11-18. Review status: criteria provided, single submitter. Criteria: Invitae Variant Classification Sherloc (09022015). Collection method: clinical testing. Allele origin: germline.
Comment: This sequence change falls in intron 5 of the HUWE1 gene. It does not directly change the encoded amino acid sequence of the HUWE1 protein. It affects a nucleotide within the consensus splice site. This variant is not present in population databases (gnomAD no frequency). This variant has not been reported in the literature in individuals affected with HUWE1-related conditions. Variants that disrupt the consensus splice site are a relatively common cause of aberrant splicing (PMID: 17576681, 9536098). Algorithms developed to predict the effect of sequence changes on RNA splicing suggest that this variant is not likely to affect RNA splicing. In summary, the available evidence is currently insufficient to determine the role of this variant in disease. Therefore, it has been classified as a Variant of Uncertain Significance.

Literature cited by the submitters: PubMed 17576681; PubMed 9536098.